The following is an entry in ClinVar:

NM_001972.4(ELANE):c.112C>A (p.Pro38Thr)

Gene: ELANE (elastase, neutrophil expressed; plus strand). Cytogenetic location: 19p13.3.
Variant type: single nucleotide variant.
Coding change: c.112C>A on transcript NM_001972.4 (MANE Select); coding-DNA position 112, C replaced by A.
Protein change: p.Pro38Thr; replaces proline 38 with threonine.
Molecular consequence: missense variant.
Genome position (GRCh38, 1-based): chr19:852,920, C>A. VCF-style: chr19-852920-C-A. GRCh37 (hg19) VCF-style: chr19-852920-C-A.
Other names: short protein forms P38T.
Identifiers: ClinVar variation 2480707 (VCV002480707.4), dbSNP rs1378830851, ClinGen allele CA402914413.

ClinVar aggregate classification (germline): Uncertain significance. Review status: criteria provided, multiple submitters, no conflicts (2 of 4 stars). 2 submissions from 2 submitters: Uncertain significance (2). Last evaluated 2025-04-03.

Conditions:
Inborn genetic diseases. Identifiers: MedGen C0950123, MeSH D030342.
Neutropenia, severe congenital, 1, autosomal dominant. Identifiers: MedGen C1859966, MONDO:0042490, OMIM 202700.
Cyclical neutropenia. Also called: Cyclic Neutropenia; Cyclic hematopoiesis. Identifiers: Orphanet 2686, MedGen C0221023, MONDO:0008090, OMIM 162800, HP:0040289. Disease mechanism: loss of function.

Allele frequency attached by ClinVar (database versions not stated): gnomAD 0.00001.
gnomAD v4.1: 2 of 1,596,592 alleles (0.00013%); highest among the groups gnomAD compares: Admixed American, 0.0017%; no homozygotes.

Submissions (2):

Labcorp Genetics (formerly Invitae), Labcorp
Classification: Uncertain significance for Neutropenia, severe congenital, 1, autosomal dominant; Cyclical neutropenia. Last evaluated: 2025-04-03. Review status: criteria provided, single submitter. Criteria: Invitae Variant Classification Sherloc (09022015). Collection method: clinical testing. Allele origin: germline.
Comment: This sequence change replaces proline, which is neutral and non-polar, with threonine, which is neutral and polar, at codon 38 of the ELANE protein (p.Pro38Thr). This variant is not present in population databases (gnomAD no frequency). This variant has not been reported in the literature in individuals affected with ELANE-related conditions. ClinVar contains an entry for this variant (Variation ID: 2480707). Invitae Evidence Modeling of protein sequence and biophysical properties (such as structural, functional, and spatial information, amino acid conservation, physicochemical variation, residue mobility, and thermodynamic stability) has been performed for this missense variant. However, the output from this modeling did not meet the statistical confidence thresholds required to predict the impact of this variant on ELANE protein function. In summary, the available evidence is currently insufficient to determine the role of this variant in disease. Therefore, it has been classified as a Variant of Uncertain Significance.

Ambry Genetics
Classification: Uncertain significance for Inborn genetic diseases. Last evaluated: 2024-12-29. Review status: criteria provided, single submitter. Criteria: Ambry Variant Classification Scheme 2023. Collection method: clinical testing. Allele origin: germline.
Comment: The p.P38T variant (also known as c.112C>A), located in coding exon 2 of the ELANE gene, results from a C to A substitution at nucleotide position 112. The proline at codon 38 is replaced by threonine, an amino acid with highly similar properties. This amino acid position is conserved. In addition, the in silico prediction for this alteration is inconclusive. Based on the available evidence, the clinical significance of this variant remains unclear.